The following is an entry in ClinVar:

ClinVar aggregate classification (germline): Benign/Likely benign. Review status: criteria provided, multiple submitters, no conflicts (2 of 4 stars). 8 submissions from 8 submitters: Benign (4); Likely benign (2). 2 of the submissions do not count toward it. Last evaluated 2026-02-04.

Allele frequency attached by ClinVar (database versions not stated): ESP Exome Variant Server 0.32485; gnomAD 0.34958 and 0.36288; TOPMed 0.35077; 1000 Genomes Project 30x 0.39553; 1000 Genomes Project 0.40475; gnomAD exomes 0.45156 and 0.47137; ExAC 0.45864.
gnomAD v4.1: 711,244 of 1,604,840 alleles (44%); highest among the groups gnomAD compares: South Asian, 63%; 166,241 homozygotes.

Submissions (8):

Labcorp Genetics (formerly Invitae), Labcorp
Classification: Benign. Last evaluated: 2026-02-04. Review status: criteria provided, single submitter. Criteria: Invitae Variant Classification Sherloc (09022015). Collection method: clinical testing. Allele origin: germline.

Women's Health and Genetics/Laboratory Corporation of America, LabCorp
Classification: Likely benign. Last evaluated: 2026-01-21. Review status: criteria provided, single submitter. Criteria: LabCorp Variant Classification Summary - May 2015. Collection method: clinical testing. Allele origin: germline.

Mayo Clinic Laboratories, Mayo Clinic
Classification: Benign. Last evaluated: 2025-09-15. Review status: criteria provided, single submitter. Criteria: ACMG Guidelines, 2015. Collection method: clinical testing. Allele origin: germline. Observed: 5 variant alleles.
Comment: BA1, BS2, BP4_moderate

Blueprint Genetics
Classification: Likely benign. Last evaluated: 2024-11-27. Review status: criteria provided, single submitter. Criteria: ACMG Guidelines, 2015. Collection method: clinical testing. Allele origin: germline.

Laboratory for Molecular Medicine, Mass General Brigham Personalized Medicine
Classification: Benign. Last evaluated: 2016-03-28. Review status: criteria provided, single submitter. Criteria: LMM Criteria. Collection method: clinical testing. Allele origin: germline.
Comment: Variant identified in a genome or exome case(s) and assessed due to predicted null impact of the variant or pathogenic assertions in the literature or databases. Disclaimer: This variant has not undergone full assessment. The following are preliminary notes: MAF

Breakthrough Genomics
Classification: Benign. Review status: criteria provided, single submitter. Criteria: ACMG Guidelines, 2015. Collection method: not provided. Allele origin: germline. Inheritance: Autosomal recessive inheritance. Affected: yes.

Diagnostic Laboratory, Department of Genetics, University Medical Center Groningen
Classification: Benign. Review status: no assertion criteria provided. Collection method: clinical testing. Allele origin: germline. Affected: yes. Study: VKGL Data-share Consensus. Not counted in ClinVar's aggregate classification.

Joint Genome Diagnostic Labs from Nijmegen and Maastricht, Radboudumc and MUMC+
Classification: Benign. Review status: no assertion criteria provided. Collection method: clinical testing. Allele origin: germline. Affected: yes. Study: VKGL Data-share Consensus. Not counted in ClinVar's aggregate classification.

NM_001735.3(C5):c.2404G>A (p.Val802Ile)

Gene: C5 (complement C5; minus strand). Cytogenetic location: 9q33.2.
Variant type: single nucleotide variant.
Coding change: c.2404G>A on transcript NM_001735.3 (MANE Select); coding-DNA position 2404, G replaced by A.
Protein change: p.Val802Ile; replaces valine 802 with isoleucine.
Molecular consequence: missense variant.
Genome position (GRCh38, 1-based): chr9:121,006,922, C>T on the plus strand (G>A on the coding strand, the complement: C5 is on the minus strand). VCF-style: chr9-121006922-C-T. GRCh37 (hg19) VCF-style: chr9-123769200-C-T.
Other names: c.2422G>A, p.Val808Ile (NM_001317163.2); c.2404G>A, p.Val802Ile (NM_001317164.2); short protein forms V802I, V808I.
Identifiers: ClinVar variation 402454 (VCV000402454.22), dbSNP rs17611, ClinGen allele CA5217784.
Genomic context (GRCh38, chr9:121,006,922, plus strand): 5'-CAAATCACTATTTAAATGCATATATCACTTAAACCTGCTTACCAGTGTTTGAAATGCCAA[C>T]GCCTTGAATTTCCCAGGTGGTTAGAGAATCAGGTAGGGCAAACTGCAACTGTTTTCTGGA-3'
Protein context (NP_001726.2, residues 792-812): DSLTTWEIQG[Val802Ile]GISNTGICVA